The following is an entry in ClinVar:

ClinVar aggregate classification (germline): Uncertain significance (1 of 4 stars; one submission).

Conditions:
Lethal multiple pterygium syndrome (LMPS). Identifiers: Orphanet 33108, MedGen C1854678, MONDO:0009668, OMIM 253290.

gnomAD v4.1: 2 of 1,614,158 alleles (0.00012%); highest among the groups gnomAD compares: Non-Finnish European, 0.000085%; no homozygotes.

Submission:

Labcorp Genetics (formerly Invitae), Labcorp
Classification: Uncertain significance for Lethal multiple pterygium syndrome. Last evaluated: 2025-01-05. Review status: criteria provided, single submitter. Criteria: Invitae Variant Classification Sherloc (09022015). Collection method: clinical testing. Allele origin: germline.
Comment: This sequence change replaces lysine, which is basic and polar, with asparagine, which is neutral and polar, at codon 360 of the CHRNA1 protein (p.Lys360Asn). This variant is not present in population databases (gnomAD no frequency). This variant has not been reported in the literature in individuals affected with CHRNA1-related conditions. Invitae Evidence Modeling of protein sequence and biophysical properties (such as structural, functional, and spatial information, amino acid conservation, physicochemical variation, residue mobility, and thermodynamic stability) indicates that this missense variant is not expected to disrupt CHRNA1 protein function with a negative predictive value of 80%. In summary, the available evidence is currently insufficient to determine the role of this variant in disease. Therefore, it has been classified as a Variant of Uncertain Significance.

NM_000079.4(CHRNA1):c.1080G>T (p.Lys360Asn)

Gene: CHRNA1 (cholinergic receptor nicotinic alpha 1 subunit; minus strand). Cytogenetic location: 2q31.1.
Variant type: single nucleotide variant.
Coding change: c.1080G>T on transcript NM_000079.4 (MANE Select); coding-DNA position 1080, G replaced by T.
Protein change: p.Lys360Asn; replaces lysine 360 with asparagine.
Molecular consequence: missense variant.
Genome position (GRCh38, 1-based): chr2:174,748,742, C>A on the plus strand (G>T on the coding strand, the complement: CHRNA1 is on the minus strand). VCF-style: chr2-174748742-C-A. GRCh37 (hg19) VCF-style: chr2-175613470-C-A.
Other names: c.1155G>T, p.Lys385Asn (NM_001039523.3); short protein forms K385N, K360N.
Identifiers: ClinVar variation 3699166 (VCV003699166.2).
Genomic context (GRCh38, chr2:174,748,742, plus strand): 5'-CATGGGTGGAGGCCCTGGCTTTCCAGAAATGTCAGAGATATCAATGTCTTCTGTAAAAAT[C>A]TTTTTGTCTTGCTTTTCTCTGGATGGTCTTTTCATTGTGGAGAAAAACATGATATTTGGG-3'
Protein context (NP_000070.1, residues 350-370): KRPSREKQDK[Lys360Asn]IFTEDIDISD